The following is an entry in ClinVar:

ClinVar aggregate classification (germline): Uncertain significance (1 of 4 stars; one submission).

Submission:

Ambry Genetics
Classification: Uncertain significance. Last evaluated: 2023-06-15. Review status: criteria provided, single submitter. Criteria: Ambry Variant Classification Scheme 2023. Collection method: clinical testing. Allele origin: germline.
Comment: The p.P165L variant (also known as c.494C>T), located in coding exon 6 of the FAM175A gene, results from a C to T substitution at nucleotide position 494. The proline at codon 165 is replaced by leucine, an amino acid with similar properties. This amino acid position is conserved. In addition, the in silico prediction for this alteration is inconclusive. Since supporting evidence is limited at this time, the clinical significance of this alteration remains unclear.

NM_139076.3(ABRAXAS1):c.494C>T (p.Pro165Leu)

Gene: ABRAXAS1 (abraxas 1, BRCA1 A complex subunit; minus strand). Cytogenetic location: 4q21.23.
Variant type: single nucleotide variant.
Coding change: c.494C>T on transcript NM_139076.3 (MANE Select); coding-DNA position 494, C replaced by T.
Protein change: p.Pro165Leu; replaces proline 165 with leucine.
Molecular consequence: missense variant.
Genome position (GRCh38, 1-based): chr4:83,469,134, G>A on the plus strand (C>T on the coding strand, the complement: ABRAXAS1 is on the minus strand). VCF-style: chr4-83469134-G-A. GRCh37 (hg19) VCF-style: chr4-84390287-G-A.
Other names: c.167C>T, p.Pro56Leu (NM_001345962.2); short protein forms P165L, P56L.
Identifiers: ClinVar variation 2625939 (VCV002625939.2), dbSNP rs2529435497, ClinGen allele CA357259611.